The following is an entry in ClinVar:

ClinVar aggregate classification (germline): Conflicting classifications of pathogenicity. Review status: criteria provided, conflicting classifications (1 of 4 stars). 4 submissions from 4 submitters: Likely pathogenic (3); Uncertain significance (1). Last evaluated 2026-02-06.

Conditions:
CYP21A2-related disorder. Also called: CYP21A2-related condition.

Allele frequency attached by ClinVar (database versions not stated): gnomAD exomes 0.00001 and 0.00002; TOPMed 0.00002.

Submissions (4):

PreventionGenetics, part of Exact Sciences
Classification: Likely pathogenic for CYP21A2-related condition. Last evaluated: 2026-02-06. Review status: criteria provided, single submitter. Criteria: ACMG Guidelines, 2015. Collection method: clinical testing. Allele origin: germline.
Comment: The CYP21A2 c.922T>G variant is predicted to result in the amino acid substitution p.Leu308Val. This variant, alternatively referred to as p.Leu307Val (or L307V) using legacy nomenclature, has been reported along with the 30kb deletion allele in an individual with simple-virilizing (SV) congenital adrenal hyperplasia (CAH) (Sarafoglou et al. 2012. PubMed ID: 22692165) and an individual with non-classic CAH (Table S7, New et al. 2013. PubMed ID: 23359698). This variant was also reported with a missense variant of uncertain significance (p.Thr124Ile) in an individual with non-classic CAH (Wan et al. 2022. PubMed ID: 36167262). The CYP21A2 variants review and molecular genetic testing guideline studies have classified this variant into the group of non-classic CAH associated variants (Baumgartner-Parzer et al. 2020. PubMed ID: 32616876; Simonetti et al. 2018. PubMed ID: 29035424). A study of in silico structure-phenotype correlations also suggested that this variant is associated with non-classic CAH due to significantly reduce enzyme activity induced by aberrations in protein structure (Haider et al. 2013. PubMed ID: 23359706). This variant is reported in 0.012% of alleles in individuals of Latino descent in gnomAD. This variant falls within a highly paralogous region. Allele frequency data should be interpreted with caution. This variant is interpreted as likely pathogenic and it is predominantly associated with non-classic CAH.

Quest Diagnostics Nichols Institute San Juan Capistrano
Classification: Likely pathogenic. Last evaluated: 2025-08-14. Review status: criteria provided, single submitter. Criteria: Quest Diagnostics criteria. Collection method: clinical testing. Allele origin: unknown.
Comment: The CYP21A2 c.922T>G (p.Leu308Val) variant has been reported in the published literature along with other CYP21A2 variants in individuals with nonclassical adrenal hyperplasia (NCAH) (PMID: 23359698 (2013), 27966633 (2016), 36167262 (2023)). This variant has also been reported along with another pathogenic CYP21A2 variant in a newborn with simple virilizing CAH subtype (PMID: 22692165 (2012)). The frequency of this variant in the general population (Genome Aggregation Database) is uninformative in the assessment of its pathogenicity. Analysis of this variant using bioinformatics tools for the prediction of the effect of amino acid changes on protein structure and function yielded predictions that this variant is damaging. Based on the available information, this variant is classified as likely pathogenic.

Women's Health and Genetics/Laboratory Corporation of America, LabCorp
Classification: Uncertain significance. Last evaluated: 2023-06-13. Review status: criteria provided, single submitter. Criteria: LabCorp Variant Classification Summary - May 2015. Collection method: clinical testing. Allele origin: germline.
Comment: Variant summary: CYP21A2 c.922T>G (p.Leu308Val) results in a conservative amino acid change in the encoded protein sequence. Four of five in-silico tools predict a damaging effect of the variant on protein function. The variant allele was found at a frequency of 1.6e-05 in 246400 control chromosomes (gnomAD). The available data on variant occurrences in the general population are insufficient to allow any conclusion about variant significance. c.922T>G has been reported in the literature in individuals affected with Congenital Adrenal Hyperplasia (CAH), including at least one individual with simple virilizing CAH (e.g., Sarafoglou_Pediatrics_2012, Sarafoglou_JAMA_2012) and at least two individuals with non-classic CAH (e.g., New_2013, Bruque_2013, Wan_2023). These data indicate that the variant may be associated with disease. To our knowledge, no experimental evidence demonstrating an impact on protein function has been reported. The following publications have been ascertained in the context of this evaluation (PMID: 27966633, 23359698, 23071209, 36167262, 22692165). One clinical diagnostic laboratory has submitted clinical-significance assessments for this variant to ClinVar after 2014 without evidence for independent evaluation and classified the variant as likely pathogenic. Based on the evidence outlined above, the variant was classified as VUS-possibly pathogenic.

Athena Diagnostics
Classification: Likely pathogenic. Last evaluated: 2018-02-14. Review status: criteria provided, single submitter. Criteria: Athena Diagnostics Criteria. Collection method: clinical testing. Allele origin: germline.

Literature cited by the submitters: PubMed 23359698 (cited by Women's Health and Genetics/Laboratory Corporation of America, LabCorp and Athena Diagnostics); PubMed 27966633 (cited by Women's Health and Genetics/Laboratory Corporation of America, LabCorp and Athena Diagnostics); PubMed 36167262 (cited by Women's Health and Genetics/Laboratory Corporation of America, LabCorp); PubMed 22692165 (cited by Women's Health and Genetics/Laboratory Corporation of America, LabCorp and Athena Diagnostics); PubMed 23071209 (cited by Women's Health and Genetics/Laboratory Corporation of America, LabCorp and Athena Diagnostics).

NM_000500.9(CYP21A2):c.922T>G (p.Leu308Val)

Genes: CYP21A2 (cytochrome P450 family 21 subfamily A member 2; plus strand), LOC106780800 (CYP21A2 recombination region; plus strand). Cytogenetic location: 6p21.33.
Variant type: single nucleotide variant.
Coding change: c.922T>G on transcript NM_000500.9 (MANE Select); coding-DNA position 922, T replaced by G.
Protein change: p.Leu308Val; replaces leucine 308 with valine.
Molecular consequence: missense variant.
Genome position (GRCh38, 1-based): chr6:32,040,188, T>G. VCF-style: chr6-32040188-T-G. GRCh37 (hg19) VCF-style: chr6-32007965-T-G.
Other names: c.832T>G, p.Leu278Val (NM_001128590.4); c.517T>G, p.Leu173Val (NM_001368143.2, NM_001368144.2); short protein forms L308V, L278V, L173V.
Identifiers: ClinVar variation 585757 (VCV000585757.5), dbSNP rs994764994, ClinGen allele CA136894756.